The following is an entry in ClinVar:

NM_000324.3(RHAG):c.145G>C (p.Glu49Gln)

Gene: RHAG (Rh associated glycoprotein; minus strand). Cytogenetic location: 6p12.3.
Variant type: single nucleotide variant.
Coding change: c.145G>C on transcript NM_000324.3 (MANE Select); coding-DNA position 145, G replaced by C.
Protein change: p.Glu49Gln; replaces glutamic acid 49 with glutamine.
Molecular consequence: missense variant.
Genome position (GRCh38, 1-based): chr6:49,636,668, C>G on the plus strand (G>C on the coding strand, the complement: RHAG is on the minus strand). VCF-style: chr6-49636668-C-G. GRCh37 (hg19) VCF-style: chr6-49604381-C-G.
Other names: p.Glu49Gln; short protein forms E49Q.
Identifiers: ClinVar variation 2243591 (VCV002243591.6), dbSNP rs141969178, ClinGen allele CA3847999.

ClinVar aggregate classification (germline): Uncertain significance. Review status: criteria provided, multiple submitters, no conflicts (2 of 4 stars). 3 submissions from 3 submitters: Uncertain significance (3). Last evaluated 2023-11-07.

Allele frequency attached by ClinVar (database versions not stated): gnomAD exomes 0.00002; ExAC 0.00004; ESP Exome Variant Server 0.00008; gnomAD 0.00011; TOPMed 0.00020.
gnomAD v4.1: 45 of 1,613,690 alleles (0.0028%); highest among the groups gnomAD compares: African/African-American, 0.053%; no homozygotes.

Submissions (3):

Mayo Clinic Laboratories, Mayo Clinic
Classification: Uncertain significance. Last evaluated: 2023-11-07. Review status: criteria provided, single submitter. Criteria: ACMG Guidelines, 2015. Collection method: clinical testing. Allele origin: germline. Observed: 1 variant allele.
Comment: BP4, PM2_moderate

Revvity Omics, Revvity
Classification: Uncertain significance. Last evaluated: 2022-11-14. Review status: criteria provided, single submitter. Criteria: ACMG Guidelines, 2015. Collection method: clinical testing. Allele origin: germline.

Ambry Genetics
Classification: Uncertain significance. Last evaluated: 2021-09-17. Review status: criteria provided, single submitter. Criteria: Ambry Variant Classification Scheme 2023. Collection method: clinical testing. Allele origin: germline.